The following is an entry in ClinVar:

NM_001042492.3(NF1):c.3940T>G (p.Trp1314Gly)

Gene: NF1 (neurofibromin 1; plus strand). Cytogenetic location: 17q11.2.
Variant type: single nucleotide variant.
Coding change: c.3940T>G on transcript NM_001042492.3 (MANE Select); coding-DNA position 3940, T replaced by G.
Protein change: p.Trp1314Gly; replaces tryptophan 1314 with glycine.
Molecular consequence: missense variant.
Genome position (GRCh38, 1-based): chr17:31,235,987, T>G. VCF-style: chr17-31235987-T-G. GRCh37 (hg19) VCF-style: chr17-29563005-T-G.
Other names: c.3940T>G, p.Trp1314Gly (NM_000267.4); short protein forms W1314G.
Identifiers: ClinVar variation 4799191 (VCV004799191.2).

ClinVar aggregate classification (germline): Uncertain significance. Review status: criteria provided, multiple submitters, no conflicts (2 of 4 stars). 2 submissions from 2 submitters: Uncertain significance (2). Last evaluated 2026-07-04.

Conditions:
Neurofibromatosis, type 1 (NF1). Also called: VON RECKLINGHAUSEN DISEASE; Peripheral type neurofibromatosis; NEUROFIBROMATOSIS, TYPE I, SOMATIC; Neurofibromatosis, type I. Identifiers: Orphanet 636, MedGen C0027831, MONDO:0018975, OMIM 162200. Disease mechanism: loss of function.
Cardiovascular phenotype. Identifiers: MedGen CN230736.
Hereditary cancer-predisposing syndrome. Also called: Hereditary Cancer Syndrome; Hereditary neoplastic syndrome; Neoplastic Syndromes, Hereditary; Tumor predisposition. Identifiers: Orphanet 140162, MedGen C0027672, MeSH D009386, MONDO:0015356.

Submissions (2):

Ambry Genetics
Classification: Uncertain significance for Cardiovascular phenotype; Hereditary cancer-predisposing syndrome. Last evaluated: 2026-07-04. Review status: criteria provided, single submitter. Criteria: Ambry Variant Classification Scheme 2023. Collection method: clinical testing. Allele origin: germline.
Comment: The p.W1314G variant (also known as c.3940T>G), located in coding exon 29 of the NF1 gene, results from a T to G substitution at nucleotide position 3940. The tryptophan at codon 1314 is replaced by glycine, an amino acid with highly dissimilar properties. This amino acid position is conserved. In addition, this alteration is predicted to be deleterious by in silico analysis. Based on the available evidence, the clinical significance of this variant remains unclear.

Labcorp Genetics (formerly Invitae), Labcorp
Classification: Uncertain significance for Neurofibromatosis, type 1. Last evaluated: 2025-05-28. Review status: criteria provided, single submitter. Criteria: Invitae Variant Classification Sherloc (09022015). Collection method: clinical testing. Allele origin: germline.
Comment: This sequence change replaces tryptophan, which is neutral and slightly polar, with glycine, which is neutral and non-polar, at codon 1314 of the NF1 protein (p.Trp1314Gly). This variant is not present in population databases (gnomAD no frequency). This variant has not been reported in the literature in individuals affected with NF1-related conditions. Invitae Evidence Modeling of protein sequence and biophysical properties (such as structural, functional, and spatial information, amino acid conservation, physicochemical variation, residue mobility, and thermodynamic stability) has been performed for this missense variant. However, the output from this modeling did not meet the statistical confidence thresholds required to predict the impact of this variant on NF1 protein function. In summary, the available evidence is currently insufficient to determine the role of this variant in disease. Therefore, it has been classified as a Variant of Uncertain Significance.